The following is an entry in ClinVar:

ClinVar aggregate classification (germline): Conflicting classifications of pathogenicity. Review status: criteria provided, conflicting classifications (1 of 4 stars). 3 submissions from 3 submitters: Uncertain significance (1); Likely benign (2). Last evaluated 2025-09-15.

Conditions:
Thrombophilia due to protein C deficiency, autosomal dominant. Also called: PROC DEFICIENCY, AUTOSOMAL DOMINANT; PROTEIN C DEFICIENCY, AUTOSOMAL DOMINANT. Identifiers: Orphanet 745, MedGen C2674321, MONDO:0008316, OMIM 176860. Disease mechanism: loss of function.

Allele frequency attached by ClinVar (database versions not stated): ExAC 0.00008; TOPMed 0.00016; gnomAD exomes 0.00020; 1000 Genomes Project 0.00040; 1000 Genomes Project 30x 0.00047.
gnomAD v4.1: 71 of 1,289,782 alleles (0.0055%); highest among the groups gnomAD compares: East Asian, 0.094%; no homozygotes.

Submissions (3):

Mayo Clinic Laboratories, Mayo Clinic
Classification: Likely benign. Last evaluated: 2025-09-15. Review status: criteria provided, single submitter. Criteria: ACMG Guidelines, 2015. Collection method: clinical testing. Allele origin: germline. Observed: 1 variant allele.
Comment: BS1_supporting, BP4, BP7

Labcorp Genetics (formerly Invitae), Labcorp
Classification: Likely benign for Thrombophilia due to protein C deficiency, autosomal dominant. Last evaluated: 2025-06-16. Review status: criteria provided, single submitter. Criteria: Invitae Variant Classification Sherloc (09022015). Collection method: clinical testing. Allele origin: germline.

Illumina Laboratory Services, Illumina
Classification: Uncertain significance for Thrombophilia due to protein C deficiency, autosomal dominant. Last evaluated: 2017-04-27. Review status: criteria provided, single submitter. Criteria: ICSL Variant Classification Criteria 13 December 2019. Collection method: clinical testing. Allele origin: germline.
Comment: This variant was observed as part of a predisposition screen in an ostensibly healthy population. A literature search was performed for the gene, cDNA change, and amino acid change (where applicable). Publications were found based on this search. However, the evidence from the literature, in combination with allele frequency data from public databases where available, was not sufficient to rule this variant in or out of causing disease. Therefore, this variant is classified as a variant of unknown significance.

Literature cited by the submitters: PubMed 37647632 (cited by Mayo Clinic Laboratories, Mayo Clinic); PubMed 22425321 (cited by Illumina Laboratory Services, Illumina).

NM_000312.4(PROC):c.-54G>A

Gene: PROC (protein C, inactivator of coagulation factors Va and VIIIa; plus strand). Cytogenetic location: 2q14.3.
Variant type: single nucleotide variant.
Coding change: c.-54G>A on transcript NM_000312.4 (MANE Select); 54 bases upstream of the start codon, G replaced by A.
Molecular consequence: 5 prime UTR variant. On other transcripts: missense variant (6).
Genome position (GRCh38, 1-based): chr2:127,418,460, G>A. VCF-style: chr2-127418460-G-A. GRCh37 (hg19) VCF-style: chr2-128176036-G-A.
Other names: p.?; c.14G>A, p.Arg5Gln (NM_001375602.1, NM_001375603.1, NM_001375604.1 and 3 more transcripts); c.-54G>A (NM_001375605.1, NM_001375608.1, NM_001375610.1); c.-70G>A (NM_001375611.1); short protein forms R5Q.
Identifiers: ClinVar variation 894293 (VCV000894293.12), dbSNP rs2069936, ClinGen allele CA1859162.